The following is an entry in ClinVar:

NM_004385.5(VCAN):c.4003+5G>A

Gene: VCAN (versican; plus strand). Cytogenetic location: 5q14.3.
Variant type: single nucleotide variant.
Coding change: c.4003+5G>A on transcript NM_004385.5 (MANE Select); 5 bases into the intron after coding-DNA position 4003, G replaced by A.
Molecular consequence: intron variant.
Genome position (GRCh38, 1-based): chr5:83,522,314, G>A. VCF-style: chr5-83522314-G-A. GRCh37 (hg19) VCF-style: chr5-82818133-G-A.
Other names: c.4003+5G>A (NM_001164098.2); c.1042+9918G>A (NM_001164097.2, NM_001126336.3).
Identifiers: ClinVar variation 3650953 (VCV003650953.2).

ClinVar aggregate classification (germline): Uncertain significance (1 of 4 stars; one submission).

Submission:

Labcorp Genetics (formerly Invitae), Labcorp
Classification: Uncertain significance. Last evaluated: 2024-04-25. Review status: criteria provided, single submitter. Criteria: Invitae Variant Classification Sherloc (09022015). Collection method: clinical testing. Allele origin: germline.
Comment: This sequence change falls in intron 7 of the VCAN gene. It does not directly change the encoded amino acid sequence of the VCAN protein. It affects a nucleotide within the consensus splice site. This variant is not present in population databases (gnomAD no frequency). This variant has not been reported in the literature in individuals affected with VCAN-related conditions. Variants that disrupt the consensus splice site are a relatively common cause of aberrant splicing (PMID: 17576681, 9536098). Algorithms developed to predict the effect of sequence changes on RNA splicing suggest that this variant may disrupt the consensus splice site. In summary, the available evidence is currently insufficient to determine the role of this variant in disease. Therefore, it has been classified as a Variant of Uncertain Significance.

Literature cited by the submitters: PubMed 17576681; PubMed 9536098.